The following is an entry in ClinVar:

NM_001458.5(FLNC):c.850+4T>G

Gene: FLNC (filamin C; plus strand). Cytogenetic location: 7q32.1.
Variant type: single nucleotide variant.
Coding change: c.850+4T>G on transcript NM_001458.5 (MANE Select); 4 bases into the intron after coding-DNA position 850, T replaced by G.
Molecular consequence: intron variant.
Genome position (GRCh38, 1-based): chr7:128,837,552, T>G. VCF-style: chr7-128837552-T-G. GRCh37 (hg19) VCF-style: chr7-128477606-T-G.
Other names: c.850+4T>G (NM_001127487.2).
Identifiers: ClinVar variation 835439 (VCV000835439.9), dbSNP rs368602593, ClinGen allele CA457846485.

ClinVar aggregate classification (germline): Conflicting classifications of pathogenicity. Review status: criteria provided, conflicting classifications (1 of 4 stars). 3 submissions from 3 submitters: Uncertain significance (2); Likely benign (1). Last evaluated 2025-11-05.

Conditions:
Cardiomyopathy (CMYO). Also called: Cardiomyopathies. Identifiers: Orphanet 167848, MedGen C0878544, MONDO:0004994, HP:0001638. Inheritance: Various modes of inheritance.
Myofibrillar myopathy 5. Also called: FILAMINOPATHY, AUTOSOMAL DOMINANT; Filaminopathy (type). Identifiers: Orphanet 171445, MedGen C1836050, MONDO:0012289, OMIM 609524.
Distal myopathy with posterior leg and anterior hand involvement. Also called: WILLIAMS DISTAL MYOPATHY. Identifiers: Orphanet 63273, MedGen C3279722, MONDO:0013550, OMIM 614065.
Hypertrophic cardiomyopathy 26. Also called: Cardiomyopathy, familial hypertrophic, 26. Identifiers: Orphanet 75249, MedGen C4310749, MONDO:0014883, OMIM 617047.

Allele frequency attached by ClinVar (database versions not stated): TOPMed 0.00005.
gnomAD v4.1: 19 of 1,614,098 alleles (0.0012%); highest among the groups gnomAD compares: East Asian, 0.0089%; no homozygotes.

Submissions (3):

Labcorp Genetics (formerly Invitae), Labcorp
Classification: Uncertain significance for Distal myopathy with posterior leg and anterior hand involvement; Myofibrillar myopathy 5; Hypertrophic cardiomyopathy 26. Last evaluated: 2025-11-05. Review status: criteria provided, single submitter. Criteria: Invitae Variant Classification Sherloc (09022015). Collection method: clinical testing. Allele origin: germline.
Comment: This sequence change falls in intron 4 of the FLNC gene. It does not directly change the encoded amino acid sequence of the FLNC protein. It affects a nucleotide within the consensus splice site. This variant is present in population databases (no rsID available, gnomAD 0.003%). This variant has been observed in individual(s) with hypertrophic cardiomyopathy (PMID: 30411535). ClinVar contains an entry for this variant (Variation ID: 835439). Variants that disrupt the consensus splice site are a relatively common cause of aberrant splicing (PMID: 17576681, 9536098). Algorithms developed to predict the effect of sequence changes on RNA splicing suggest that this variant is not likely to affect RNA splicing. In summary, the available evidence is currently insufficient to determine the role of this variant in disease. Therefore, it has been classified as a Variant of Uncertain Significance.

Women's Health and Genetics/Laboratory Corporation of America, LabCorp
Classification: Likely benign. Last evaluated: 2025-04-29. Review status: criteria provided, single submitter. Criteria: LabCorp Variant Classification Summary - May 2015. Collection method: clinical testing. Allele origin: germline.
Comment: Variant summary: FLNC c.850+4T>G alters a non-conserved nucleotide located close to a canonical splice site and therefore could affect mRNA splicing, leading to a significantly altered protein sequence. Consensus agreement among computation tools predicts no significant impact on normal splicing. However, these predictions have yet to be confirmed by functional studies. The variant allele was found at a frequency of 1.2e-05 in 1607124 control chromosomes (gnomAD v4.1). The observed variant frequency is approximately 1.5-fold of the estimated maximal expected allele frequency for a pathogenic variant in FLNC causing Dilated Cardiomyopathy phenotype (7.8e-06). c.850+4T>G has been observed in an individual affected with hypertrophic cardiomyopathy (Cui_2018). These report(s) do not provide unequivocal conclusions about association of the variant with Dilated Cardiomyopathy. To our knowledge, no experimental evidence demonstrating an impact on protein function has been reported. The following publication have been ascertained in the context of this evaluation (PMID: 30411535). ClinVar contains an entry for this variant (Variation ID: 835439). Based on the evidence outlined above, the variant was classified as likely benign.

CHEO Genetics Diagnostic Laboratory, Children's Hospital of Eastern Ontario
Classification: Uncertain significance for Cardiomyopathy. Last evaluated: 2022-12-29. Review status: criteria provided, single submitter. Criteria: ACMG Guidelines, 2015. Collection method: clinical testing. Allele origin: germline.

Literature cited by the submitters: PubMed 30411535 (cited by Labcorp Genetics (formerly Invitae), Labcorp and Women's Health and Genetics/Laboratory Corporation of America, LabCorp); PubMed 17576681 (cited by Labcorp Genetics (formerly Invitae), Labcorp); PubMed 9536098 (cited by Labcorp Genetics (formerly Invitae), Labcorp).